The following is an entry in ClinVar:

NM_053025.4(MYLK):c.2138A>C (p.Gln713Pro)

Gene: MYLK (myosin light chain kinase; minus strand). Cytogenetic location: 3q21.1.
Variant type: single nucleotide variant.
Coding change: c.2138A>C on transcript NM_053025.4 (MANE Select); coding-DNA position 2138, A replaced by C.
Protein change: p.Gln713Pro; replaces glutamine 713 with proline.
Molecular consequence: missense variant.
Genome position (GRCh38, 1-based): chr3:123,708,700, T>G on the plus strand (A>C on the coding strand, the complement: MYLK is on the minus strand). VCF-style: chr3-123708700-T-G. GRCh37 (hg19) VCF-style: chr3-123427547-T-G.
Other names: c.1610A>C, p.Gln537Pro (NM_001321309.2); c.1931A>C, p.Gln644Pro (NM_053026.4, NM_053028.4); c.2138A>C, p.Gln713Pro (NM_053027.4); short protein forms Q537P, Q644P, Q713P.
Identifiers: ClinVar variation 3401082 (VCV003401082.1).

ClinVar aggregate classification (germline): Uncertain significance (1 of 4 stars; one submission).

Conditions:
Familial thoracic aortic aneurysm and aortic dissection (TAAD). Also called: Thoracic aortic aneurysms and dissections. Identifiers: Orphanet 91387, MedGen C4707243, MONDO:0019625.

gnomAD v4.1: 1 of 1,614,058 alleles (0.000062%); highest among the groups gnomAD compares: South Asian, 0.0011%; no homozygotes.

Submission:

Ambry Genetics
Classification: Uncertain significance for Familial thoracic aortic aneurysm and aortic dissection. Last evaluated: 2024-07-06. Review status: criteria provided, single submitter. Criteria: Ambry Variant Classification Scheme 2023. Collection method: clinical testing. Allele origin: germline.
Comment: The p.Q713P variant (also known as c.2138A>C), located in coding exon 12 of the MYLK gene, results from an A to C substitution at nucleotide position 2138. The glutamine at codon 713 is replaced by proline, an amino acid with similar properties. This amino acid position is conserved. In addition, the in silico prediction for this alteration is inconclusive. Based on the available evidence, the clinical significance of this variant remains unclear.